The following is an entry in ClinVar:

NM_001009944.3(PKD1):c.10183C>T (p.Gln3395Ter)

Gene: PKD1 (polycystin 1, transient receptor potential channel interacting; minus strand). Cytogenetic location: 16p13.3.
Variant type: single nucleotide variant.
Coding change: c.10183C>T on transcript NM_001009944.3 (MANE Select); coding-DNA position 10183, C replaced by T.
Protein change: p.Gln3395Ter; replaces glutamine 3395 with a stop codon.
Molecular consequence: nonsense.
Genome position (GRCh38, 1-based): chr16:2,097,765, G>A on the plus strand (C>T on the coding strand, the complement: PKD1 is on the minus strand). VCF-style: chr16-2097765-G-A. GRCh37 (hg19) VCF-style: chr16-2147766-G-A.
Other names: c.10180C>T (NM_000296.3); c.10180C>T, p.Gln3394Ter (NM_000296.4); short protein forms Q3395*, Q3394*.
Identifiers: ClinVar variation 3579041 (VCV003579041.2).

ClinVar aggregate classification (germline): Pathogenic. Review status: criteria provided, multiple submitters, no conflicts (2 of 4 stars). 2 submissions from 2 submitters: Pathogenic (2). Last evaluated 2025-05-05.

Conditions:
Polycystic kidney disease, adult type (PKD1). Also called: Polycystic Kidney Disease 1, Autosomal Dominant; Polycystic kidney disease 1; Polycystic kidney disease 1, severe; POLYCYSTIC KIDNEY DISEASE 1 WITH OR WITHOUT POLYCYSTIC LIVER DISEASE; POLYCYSTIC KIDNEY DISEASE, ADULT, TYPE I; Polycystic Kidney, Autosomal Dominant. Identifiers: MedGen C3149841, MONDO:0008263, OMIM 173900.
Inborn genetic diseases. Identifiers: MedGen C0950123, MeSH D030342.

Submissions (2):

Ambry Genetics
Classification: Pathogenic for Inborn genetic diseases. Last evaluated: 2025-05-05. Review status: criteria provided, single submitter. Criteria: Ambry Variant Classification Scheme 2023. Collection method: clinical testing. Allele origin: germline.
Comment: The c.10180C>T (p.Q3394*) alteration, located in exon 32 (coding exon 32) of the PKD1 gene, consists of a C to T substitution at nucleotide position 10180. This changes the amino acid from a glutamine (Q) to a stop codon at amino acid position 3394. This alteration is expected to result in loss of function by premature protein truncation or nonsense-mediated mRNA decay. Based on data from gnomAD, the T allele has an overall frequency of <0.001% (1/250466) total alleles studied. The highest observed frequency was 0.001% (1/112856) of European (non-Finnish) alleles. This variant was reported in individuals with features consistent with PKD1-related polycystic kidney disease (Rossetti, 2001; Kim, 2019). Based on the available evidence, this alteration is classified as pathogenic.

Fulgent Genetics
Classification: Pathogenic for Polycystic kidney disease, adult type. Last evaluated: 2024-06-17. Review status: criteria provided, single submitter. Criteria: ACMG Guidelines, 2015. Collection method: clinical testing. Allele origin: germline.

Literature cited by the submitters: PubMed 11115377 (cited by Ambry Genetics); PubMed 31740684 (cited by Ambry Genetics).